The following is an entry in ClinVar:

NM_016148.5(SHANK1):c.5282C>A (p.Ala1761Glu)

Gene: SHANK1 (SH3 and multiple ankyrin repeat domains 1; minus strand). Cytogenetic location: 19q13.33.
Variant type: single nucleotide variant.
Coding change: c.5282C>A on transcript NM_016148.5 (MANE Select); coding-DNA position 5282, C replaced by A.
Protein change: p.Ala1761Glu; replaces alanine 1761 with glutamic acid.
Molecular consequence: missense variant.
Genome position (GRCh38, 1-based): chr19:50,666,678, G>T on the plus strand (C>A on the coding strand, the complement: SHANK1 is on the minus strand). VCF-style: chr19-50666678-G-T. GRCh37 (hg19) VCF-style: chr19-51169935-G-T.
Other names: short protein forms A1761E.
Identifiers: ClinVar variation 2429481 (VCV002429481.1), dbSNP rs1265805967, ClinGen allele CA407007559.

ClinVar aggregate classification (germline): Uncertain significance (1 of 4 stars; one submission).

Allele frequency attached by ClinVar (database versions not stated): TOPMed below 0.00001; gnomAD 0.00001.
gnomAD v4.1: 3 of 1,585,430 alleles (0.00019%); highest among the groups gnomAD compares: Non-Finnish European, 0.00026%; no homozygotes.

Submission:

GeneDx
Classification: Uncertain significance. Last evaluated: 2022-08-09. Review status: criteria provided, single submitter. Criteria: GeneDx Variant Classification Process June 2021. Collection method: clinical testing. Allele origin: germline. Affected: yes.
Comment: In silico analysis supports that this missense variant does not alter protein structure/function; Has not been previously published as pathogenic or benign to our knowledge